The following is an entry in ClinVar:

NC_000020.10:g.(?_62037997)_(62046489_?)del

Gene: KCNQ2 (potassium voltage-gated channel subfamily Q member 2; minus strand). Cytogenetic location: 20q13.33.
Variant type: Deletion.
Identifiers: ClinVar variation 1073752 (VCV001073752.7).

ClinVar aggregate classification (germline): Pathogenic (1 of 4 stars; one submission).

Conditions:
Developmental and epileptic encephalopathy. Identifiers: MedGen C5779964, MONDO:0100620.

Submission:

Labcorp Genetics (formerly Invitae), Labcorp
Classification: Pathogenic for Early-infantile DEE. Last evaluated: 2021-08-04. Review status: criteria provided, single submitter. Criteria: Invitae Variant Classification Sherloc (09022015). Collection method: clinical testing. Allele origin: germline.
Comment: This variant is a gross deletion of the genomic region encompassing exon(s) 13-17 of the KCNQ2 gene. The 5' boundary is likely confined to intron 12. The 3' end of this event is unknown as it extends through the termination codon beyond the assayed region for this gene and may encompass additional genes. While this deletion is not anticipated to lead to nonsense mediated decay, it is expected to alter mRNA translation or result in a truncated protein product. A similar copy number variant has been observed in individual(s) with seizures (PMID: 23360469). This variant disrupts a region of the KCNQ2 protein in which other variant(s) (p.Gly727Alafs*140) have been determined to be pathogenic (Invitae). This suggests that this is a clinically significant region of the protein, and that variants that disrupt it are likely to be disease-causing. For these reasons, this variant has been classified as Pathogenic.

Literature cited by the submitters: PubMed 23360469.